The following is an entry in ClinVar:

NM_018238.4(AGK):c.152del (p.Asn51fs)

Gene: AGK (acylglycerol kinase; plus strand). Cytogenetic location: 7q34.
Variant type: Deletion.
Coding change: c.152del on transcript NM_018238.4 (MANE Select); coding-DNA position 152, one base deleted (A; older notation c.152delA).
Protein change: p.Asn51fs; shifts the reading frame from asparagine 51.
Molecular consequence: frameshift variant.
Genome position (GRCh38, 1-based): chr7:141,596,572, A deleted; the last of 2 consecutive A bases (chr7:141,596,571-141,596,572); deleting either gives the same sequence. VCF-style (leftmost placement, unchanged base first): chr7-141596570-CA-C. GRCh37 (hg19) VCF-style: chr7-141296370-CA-C.
Other names: c.152del, p.Asn51fs (NM_001364948.3); c.152delA (NM_001364948.3); short protein forms N51fs.
Identifiers: ClinVar variation 4070965 (VCV004070965.1).
Genomic context (GRCh38, chr7:141,596,570, plus strand): 5'-ATTTACCAAATAAATGGACTTTTACTGAAAACTTTGCTCTTTTCTTTTTTAGGTGTTTGG[CA>C]ATCAACTCATTCCTCCCAATGCACAAGTGAAGAAGGCCACTGTTTTTCTCAATCCTGCAG-3'

ClinVar aggregate classification (germline): Pathogenic (0 of 4 stars; one submission).

Conditions:
Hypercholesterolemia, familial, 1. Also called: LDL RECEPTOR DISORDER; Hyperlipoproteinemia Type IIa; HYPER-LOW-DENSITY-LIPOPROTEINEMIA; HYPERCHOLESTEROLEMIC XANTHOMATOSIS, FAMILIAL; Fredrickson type IIa hyperlipoproteinemia; Hyperlipoproteinemia type 2. Identifiers: Orphanet 391665, MedGen C0745103, MONDO:0007750, OMIM 143890.

Submission:

Research Laboratories, P. D. Hinduja Hospital & MRC
Classification: Pathogenic for Hypercholesterolemia, familial, 1. Last evaluated: 2022-12-16. Review status: no assertion criteria provided. Collection method: case-control. Allele origin: germline. Affected: yes. Observed: 1 variant allele, 1 heterozygote.
Comment: This variant was identified as part of the ICMR-funded project (Ref No. 2020-3881). A frameshift deletion in AGK (NM_001364948.3), exon 4: c.152delA, resulting in a frameshift starting at asparagine 51 (p.N51fs). To our knowledge, functional studies specific to this variant have not been reported. This variant has not been described in individuals with Familial Hypercholesterolemia (FH) in the literature; however, the AGK gene is associated with lipid metabolism according to the LIPID MAPS Proteome Database (LMPD). Computational predictions using MutationTaster and PolyPhen-2 suggest that this variant is likely deleterious and possibly damaging to protein function (GRCh38).